The following is an entry in ClinVar:

NM_003922.4(HERC1):c.13105+6G>A

Gene: HERC1 (HECT and RLD domain containing E3 ubiquitin protein ligase family member 1; minus strand). Cytogenetic location: 15q22.31.
Variant type: single nucleotide variant.
Coding change: c.13105+6G>A on transcript NM_003922.4 (MANE Select); 6 bases into the intron after coding-DNA position 13105, G replaced by A.
Molecular consequence: intron variant.
Genome position (GRCh38, 1-based): chr15:63,628,671, C>T on the plus strand (G>A on the coding strand, the complement: HERC1 is on the minus strand). VCF-style: chr15-63628671-C-T. GRCh37 (hg19) VCF-style: chr15-63920870-C-T.
Identifiers: ClinVar variation 1909772 (VCV001909772.2), dbSNP rs770763400, ClinGen allele CA7603835.
Genomic context (GRCh38, chr15:63,628,671, plus strand): 5'-CAGACAGTGCCATGGGGTACTGCTAAAAAAGAAACGCTGCAGGAGCATGAATATTTCATT[C>T]CTCACCTGGTGCTCTTGGTGGGACAGGTGGTGCTGTCCATGCAGCACTGTGGCAGCGGCC-3'

ClinVar aggregate classification (germline): Uncertain significance (1 of 4 stars; one submission).

gnomAD v4.1: 16 of 1,605,132 alleles (0.001%); highest among the groups gnomAD compares: Middle Eastern, 0.034%; no homozygotes.

Submission:

Labcorp Genetics (formerly Invitae), Labcorp
Classification: Uncertain significance. Last evaluated: 2022-08-05. Review status: criteria provided, single submitter. Criteria: Invitae Variant Classification Sherloc (09022015). Collection method: clinical testing. Allele origin: germline.
Comment: This sequence change falls in intron 70 of the HERC1 gene. It does not directly change the encoded amino acid sequence of the HERC1 protein. It affects a nucleotide within the consensus splice site. This variant is present in population databases (rs770763400, gnomAD 0.007%). This variant has not been reported in the literature in individuals affected with HERC1-related conditions. Variants that disrupt the consensus splice site are a relatively common cause of aberrant splicing (PMID: 17576681, 9536098). Algorithms developed to predict the effect of sequence changes on RNA splicing suggest that this variant is not likely to affect RNA splicing. In summary, the available evidence is currently insufficient to determine the role of this variant in disease. Therefore, it has been classified as a Variant of Uncertain Significance.

Literature cited by the submitters: PubMed 17576681; PubMed 9536098.